The following is an entry in ClinVar:

NM_024301.5(FKRP):c.1440C>G (p.Asn480Lys)

Gene: FKRP (fukutin related protein; plus strand). Cytogenetic location: 19q13.32.
Variant type: single nucleotide variant.
Coding change: c.1440C>G on transcript NM_024301.5 (MANE Select); coding-DNA position 1440, C replaced by G.
Protein change: p.Asn480Lys; replaces asparagine 480 with lysine.
Molecular consequence: missense variant.
Genome position (GRCh38, 1-based): chr19:46,756,890, C>G. VCF-style: chr19-46756890-C-G. GRCh37 (hg19) VCF-style: chr19-47260147-C-G.
Other names: c.1440C>G, p.Asn480Lys (NM_001039885.3); short protein forms N480K.
Identifiers: ClinVar variation 2055061 (VCV002055061.4), dbSNP rs115365212, ClinGen allele CA406497372.

ClinVar aggregate classification (germline): Uncertain significance (1 of 4 stars; one submission).

Conditions:
Walker-Warburg congenital muscular dystrophy. Also called: Muscular dystrophy-dystroglycanopathy, type A; Walker-Warburg syndrome. Identifiers: Orphanet 899, MedGen C0265221, MONDO:0000171.

gnomAD v4.1: 1 of 1,612,862 alleles (0.000062%); highest among the groups gnomAD compares: East Asian, 0.0022%; no homozygotes.

Submission:

Labcorp Genetics (formerly Invitae), Labcorp
Classification: Uncertain significance for Walker-Warburg congenital muscular dystrophy. Last evaluated: 2021-12-23. Review status: criteria provided, single submitter. Criteria: Invitae Variant Classification Sherloc (09022015). Collection method: clinical testing. Allele origin: germline.
Comment: This sequence change replaces asparagine, which is neutral and polar, with lysine, which is basic and polar, at codon 480 of the FKRP protein (p.Asn480Lys). This variant is not present in population databases (gnomAD no frequency). In summary, the available evidence is currently insufficient to determine the role of this variant in disease. Therefore, it has been classified as a Variant of Uncertain Significance. Algorithms developed to predict the effect of missense changes on protein structure and function (SIFT, PolyPhen-2, Align-GVGD) all suggest that this variant is likely to be tolerated. This variant has not been reported in the literature in individuals affected with FKRP-related conditions.